The following is an entry in ClinVar:

ClinVar aggregate classification (germline): Likely benign. Review status: criteria provided, single submitter (1 of 4 stars). 3 submissions from 3 submitters: Likely benign (1). 2 of the submissions do not count toward it. Last evaluated 2024-08-19.

Conditions:
CLPP-related disorder. Also called: CLPP-related condition.

Allele frequency attached by ClinVar (database versions not stated): gnomAD exomes 0.00003; ExAC 0.00006; TOPMed 0.00010; gnomAD 0.00026.
gnomAD v4.1: 27 of 1,599,078 alleles (0.0017%); highest among the groups gnomAD compares: African/African-American, 0.035%; no homozygotes.

Submissions (3):

Labcorp Genetics (formerly Invitae), Labcorp
Classification: Likely benign. Last evaluated: 2024-08-19. Review status: criteria provided, single submitter. Criteria: Invitae Variant Classification Sherloc (09022015). Collection method: clinical testing. Allele origin: germline.

PreventionGenetics, part of Exact Sciences
Classification: Likely benign for CLPP-related condition. Last evaluated: 2019-03-04. Review status: no assertion criteria provided. Collection method: clinical testing. Allele origin: germline. Not counted in ClinVar's aggregate classification.
Comment: This variant is classified as likely benign based on ACMG/AMP sequence variant interpretation guidelines (Richards et al. 2015 PMID: 25741868, with internal and published modifications).

Mayo Clinic Laboratories, Mayo Clinic
Classification: Likely benign. Last evaluated: 2017-09-15. Review status: no assertion criteria provided. Collection method: clinical testing. Allele origin: unknown. Not counted in ClinVar's aggregate classification.

NM_006012.4(CLPP):c.216C>T (p.Ala72=)

Genes: CLPP (caseinolytic mitochondrial matrix peptidase proteolytic subunit; plus strand), LOC130063288 (ATAC-STARR-seq lymphoblastoid silent region 9948; plus strand). Cytogenetic location: 19p13.3.
Variant type: single nucleotide variant.
Coding change: c.216C>T on transcript NM_006012.4 (MANE Select); coding-DNA position 216, C replaced by T.
Protein change: p.Ala72=; no amino-acid change (alanine 72 retained).
Molecular consequence: synonymous variant.
Genome position (GRCh38, 1-based): chr19:6,361,886, C>T. VCF-style: chr19-6361886-C-T. GRCh37 (hg19) VCF-style: chr19-6361897-C-T.
Identifiers: ClinVar variation 559365 (VCV000559365.14), dbSNP rs746981582, ClinGen allele CA9122822.